The following is an entry in ClinVar:

ClinVar aggregate classification (germline): Likely benign. Review status: criteria provided, single submitter (1 of 4 stars). 2 submissions from 2 submitters: Likely benign (1). 1 of the submissions does not count toward it. Last evaluated 2024-03-11.

Conditions:
BBS10-related disorder. Also called: BBS10-related condition.
Bardet-Biedl syndrome (BBS). Identifiers: Orphanet 110, MedGen C0752166, MONDO:0015229.

Allele frequency attached by ClinVar (database versions not stated): gnomAD exomes below 0.00001; gnomAD 0.00001 and 0.00002; TOPMed 0.00001.

Submissions (2):

Labcorp Genetics (formerly Invitae), Labcorp
Classification: Likely benign for Bardet-Biedl syndrome. Last evaluated: 2024-03-11. Review status: criteria provided, single submitter. Criteria: Invitae Variant Classification Sherloc (09022015). Collection method: clinical testing. Allele origin: germline.

PreventionGenetics, part of Exact Sciences
Classification: Likely benign for BBS10-related condition. Last evaluated: 2023-08-23. Review status: no assertion criteria provided. Collection method: clinical testing. Allele origin: germline. Not counted in ClinVar's aggregate classification.
Comment: This variant is classified as likely benign based on ACMG/AMP sequence variant interpretation guidelines (Richards et al. 2015 PMID: 25741868, with internal and published modifications).

NM_024685.4(BBS10):c.1572A>G (p.Thr524=)

Gene: BBS10 (Bardet-Biedl syndrome 10; minus strand). Cytogenetic location: 12q21.2.
Variant type: single nucleotide variant.
Coding change: c.1572A>G on transcript NM_024685.4 (MANE Select); coding-DNA position 1572, A replaced by G.
Protein change: p.Thr524=; no amino-acid change (threonine 524 retained).
Molecular consequence: synonymous variant.
Genome position (GRCh38, 1-based): chr12:76,346,413, T>C on the plus strand (A>G on the coding strand, the complement: BBS10 is on the minus strand). VCF-style: chr12-76346413-T-C. GRCh37 (hg19) VCF-style: chr12-76740193-T-C.
Identifiers: ClinVar variation 757659 (VCV000757659.11), dbSNP rs1271927802, ClinGen allele CA481010807.
Genomic context (GRCh38, chr12:76,346,413, plus strand): 5'-ATTGTTCTTGAGTAATGGTTCATAATAATCAGTTAGCCTGTTTCTTTCCAAAGACAAACA[T>C]GTCAGCGTTTCAACTGTTTGGAATGTATCTGTTGGTGTCAGTGTGGGGGTTGAATACGGA-3'
Protein context (NP_078961.3, residues 514-534): TDTFQTVETL[Thr524=]CLSLERNRLT